The following is an entry in ClinVar:

ClinVar aggregate classification (germline): Uncertain significance (1 of 4 stars; one submission).

Conditions:
Primary ciliary dyskinesia. Also called: Ciliary dyskinesia. Identifiers: Orphanet 244, MedGen C0008780, MONDO:0016575, HP:0012265.

Submission:

Labcorp Genetics (formerly Invitae), Labcorp
Classification: Uncertain significance for Primary ciliary dyskinesia. Last evaluated: 2021-08-20. Review status: criteria provided, single submitter. Criteria: Invitae Variant Classification Sherloc (09022015). Collection method: clinical testing. Allele origin: germline.
Comment: This sequence change replaces phenylalanine with leucine at codon 2644 of the DNAH11 protein (p.Phe2644Leu). The phenylalanine residue is moderately conserved and there is a small physicochemical difference between phenylalanine and leucine. This variant is not present in population databases (ExAC no frequency). This variant has not been reported in the literature in individuals affected with DNAH11-related conditions. Algorithms developed to predict the effect of missense changes on protein structure and function output the following: SIFT: "Tolerated"; PolyPhen-2: "Benign"; Align-GVGD: "Class C0". The leucine amino acid residue is found in multiple mammalian species, which suggests that this missense change does not adversely affect protein function. In summary, the available evidence is currently insufficient to determine the role of this variant in disease. Therefore, it has been classified as a Variant of Uncertain Significance.

NM_001277115.2(DNAH11):c.7932T>A (p.Phe2644Leu)

Gene: DNAH11 (dynein axonemal heavy chain 11; plus strand). Cytogenetic location: 7p15.3.
Variant type: single nucleotide variant.
Coding change: c.7932T>A on transcript NM_001277115.2 (MANE Select); coding-DNA position 7932, T replaced by A.
Protein change: p.Phe2644Leu; replaces phenylalanine 2644 with leucine.
Molecular consequence: missense variant.
Genome position (GRCh38, 1-based): chr7:21,741,944, T>A. VCF-style: chr7-21741944-T-A. GRCh37 (hg19) VCF-style: chr7-21781562-T-A.
Other names: short protein forms F2644L.
Identifiers: ClinVar variation 840370 (VCV000840370.15), dbSNP rs904849195, ClinGen allele CA155115695.
Genomic context (GRCh38, chr7:21,741,944, plus strand): 5'-ACAATTGTAATCCTTACACTCTTATATTTGCTTTTCTTTTCAGAGACATTTCACAGTGTT[T>A]GCATTCAATTTTCCATCTTTGGATGCACTAAACACCATCTATGGCCAAATCTTTAGCTTC-3'
Protein context (NP_001264044.1, residues 2634-2654): NPRLQRHFTV[Phe2644Leu]AFNFPSLDAL